The following is an entry in ClinVar:

NM_001673.5(ASNS):c.1286_1289del (p.Tyr429fs)

Genes: ASNS (asparagine synthetase (glutamine-hydrolyzing); minus strand), CZ1P-ASNS (CZ1P-ASNS readthrough; minus strand). Cytogenetic location: 7q21.3.
Variant type: Deletion.
Coding change: c.1286_1289del on transcript NM_001673.5 (MANE Select); coding-DNA positions 1286 to 1289, 4 bases deleted (ACTT; older notation c.1286_1289delACTT).
Protein change: p.Tyr429fs; shifts the reading frame from tyrosine 429.
Molecular consequence: frameshift variant. On other transcripts: non-coding transcript variant (1).
Genome position (GRCh38, 1-based): chr7:97,853,336-97,853,339, AAGT deleted on the plus strand (ACTT on the coding strand, the reverse complement: ASNS is on the minus strand); deleting any 4 consecutive bases within chr7:97,853,336-97,853,341 gives the same sequence; the c. name uses the placement nearest the transcript's 3' end. VCF-style (leftmost placement, unchanged base first): chr7-97853335-CAAGT-C. GRCh37 (hg19) VCF-style: chr7-97482647-CAAGT-C.
Other names: c.1286_1289del, p.Tyr429fs (NM_133436.3, NM_183356.4, NM_001352496.2); c.1223_1226del, p.Tyr408fs (NM_001178075.2); c.1037_1040del, p.Tyr346fs (NM_001178076.2, NM_001178077.1); short protein forms Y346fs, Y429fs, Y408fs.
Identifiers: ClinVar variation 2780121 (VCV002780121.5), dbSNP rs769360935, ClinGen allele CA4354536.

ClinVar aggregate classification (germline): Pathogenic. Review status: criteria provided, multiple submitters, no conflicts (2 of 4 stars). 3 submissions from 3 submitters: Pathogenic (3). Last evaluated 2025-08-04.

Conditions:
Congenital microcephaly - severe encephalopathy - progressive cerebral atrophy syndrome. Also called: ASNS DEFICIENCY; Asparagine synthetase deficiency. Identifiers: Orphanet 391376, MedGen C3809971, MONDO:0014258, OMIM 615574.

Submissions (3):

3billion
Classification: Pathogenic for Congenital microcephaly - severe encephalopathy - progressive cerebral atrophy syndrome. Last evaluated: 2025-08-04. Review status: criteria provided, single submitter. Criteria: ACMG Guidelines, 2015. Collection method: clinical testing. Allele origin: germline. Affected: yes.
Comment: The variant is observed at an extremely low frequency in the gnomAD v4.1.0 dataset (total allele frequency: <0.001%). Predicted Consequence/Location: Frameshift: predicted to result in a loss or disruption of normal protein function through nonsense-mediated decay (NMD) or protein truncation. Multiple pathogenic variants are reported downstream of the variant. The variant has been reported to be associated with ASNS-related disorder (ClinVar ID: VCV002780121 /PMID: 34143244). Therefore, this variant is classified as Pathogenic according to the recommendation of ACMG/AMP guideline.

Revvity Omics, Revvity
Classification: Pathogenic for Congenital microcephaly - severe encephalopathy - progressive cerebral atrophy syndrome. Last evaluated: 2023-12-14. Review status: criteria provided, single submitter. Criteria: ACMG Guidelines, 2015. Collection method: clinical testing. Allele origin: germline.

Labcorp Genetics (formerly Invitae), Labcorp
Classification: Pathogenic. Last evaluated: 2023-10-22. Review status: criteria provided, single submitter. Criteria: Invitae Variant Classification Sherloc (09022015). Collection method: clinical testing. Allele origin: germline.
Comment: This sequence change creates a premature translational stop signal (p.Tyr429Cysfs*7) in the ASNS gene. It is expected to result in an absent or disrupted protein product. Loss-of-function variants in ASNS are known to be pathogenic (PMID: 27422383, 30057589). This variant is present in population databases (rs769360935, gnomAD 0.007%). This premature translational stop signal has been observed in individual(s) with ASNS deficiency (PMID: 34143244). For these reasons, this variant has been classified as Pathogenic.

Literature cited by the submitters: PubMed 34143244 (cited by 3billion and Labcorp Genetics (formerly Invitae), Labcorp); PubMed 27422383 (cited by Labcorp Genetics (formerly Invitae), Labcorp); PubMed 30057589 (cited by Labcorp Genetics (formerly Invitae), Labcorp).